The following is an entry in ClinVar:

NM_000070.3(CAPN3):c.1354+8_1354+26del

Gene: CAPN3 (calpain 3; plus strand). Cytogenetic location: 15q15.1.
Variant type: Deletion.
Coding change: c.1354+8_1354+26del on transcript NM_000070.3 (MANE Select); bases 8 to 26 of the intron after coding-DNA position 1354, 19 bases deleted (ATGCTCTTGATGGGGGGAG).
Molecular consequence: intron variant.
Genome position (GRCh38, 1-based): chr15:42,399,660-42,399,678, ATGCTCTTGATGGGGGGAG deleted; deleting any 19 consecutive bases within chr15:42,399,655-42,399,678 gives the same sequence; the c. name uses the placement nearest the transcript's 3' end. VCF-style (leftmost placement, unchanged base first): chr15-42399654-TGGGAGATGCTCTTGATGGG-T. GRCh37 (hg19) VCF-style: chr15-42691852-TGGGAGATGCTCTTGATGGG-T.
Other names: c.1354+8_1354+26del (NM_024344.2); c.1210+8_1210+26del (NM_173087.2).
Identifiers: ClinVar variation 4884316 (VCV004884316.1).

ClinVar aggregate classification (germline): VUS-high (1 of 4 stars; one submission).

Conditions:
Autosomal recessive limb-girdle muscular dystrophy type 2A (LGMDR1). Also called: LEYDEN-MOEBIUS MUSCULAR DYSTROPHY; MUSCULAR DYSTROPHY, PELVOFEMORAL; Limb-girdle muscular dystrophy, type 2A; Calpainopathy; Muscular dystrophy, limb-girdle, type 2A, Amish. Identifiers: Orphanet 267, MedGen C1869123, MONDO:0009675, OMIM 253600. Disease mechanism: loss of function.

Submission:

Concord Molecular Medicine Laboratory, Concord Repatriation General Hospital
Classification: VUS-high for Autosomal recessive limb-girdle muscular dystrophy type 2A. Last evaluated: 2026-07-20. Review status: criteria provided, single submitter. Criteria: ACMG Guidelines, 2015. Collection method: clinical testing. Allele origin: inherited. Inheritance: Autosomal recessive inheritance. Affected: yes. Observed: 1 variant allele, 1 compound heterozygote.
Comment: The variant is detected in control population at a very low frequency (gnomAD v4.1.1), and has not been described in patients with myopathy. In silico analysis suggested a damaging effect on the donor splice site (Splice AI delta 0.56).